The following is an entry in ClinVar:

NM_000088.4(COL1A1):c.697-2_697-1del

Genes: COL1A1 (collagen type I alpha 1 chain; minus strand), LOC126862586 (CDK7 strongly-dependent group 2 enhancer GRCh37_chr17:48273702-48274901; plus strand). Cytogenetic location: 17q21.33.
Variant type: Deletion.
Coding change: c.697-2_697-1del on transcript NM_000088.4 (MANE Select); the canonical splice acceptor site of the intron before coding-DNA position 697, 2 bases deleted (AG; older notation c.697-2_697-1delAG).
Molecular consequence: splice acceptor variant.
Genome position (GRCh38, 1-based): chr17:50,197,234-50,197,235, CT deleted on the plus strand (AG on the coding strand, the reverse complement: COL1A1 is on the minus strand). VCF-style (leftmost placement, unchanged base first): chr17-50197233-CCT-C. GRCh37 (hg19) VCF-style: chr17-48274594-CCT-C.
Identifiers: ClinVar variation 1431197 (VCV001431197.9), dbSNP rs67163050, ClinGen allele CA291547680.

ClinVar aggregate classification (germline): Pathogenic. Review status: criteria provided, multiple submitters, no conflicts (2 of 4 stars). 3 submissions from 3 submitters: Pathogenic (3). Last evaluated 2026-06-18.

Conditions:
Osteogenesis imperfecta type I (OI1). Also called: Lobstein disease; Classic Non-deforming Osteogenesis Imperfecta with Blue Sclerae; OI, TYPE I; OSTEOGENESIS IMPERFECTA TARDA; OSTEOGENESIS IMPERFECTA WITH BLUE SCLERAE; Osteogenesis imperfecta type 1. Identifiers: Orphanet 216796, Orphanet 666, MedGen C0023931, MONDO:0008146, OMIM 166200. Disease mechanism: loss of function.
COL1A1-related disorder. Also called: COL1A1- related disease; COL1A1-related condition.

Submissions (3):

GeneDx
Classification: Pathogenic. Last evaluated: 2026-06-18. Review status: criteria provided, single submitter. Criteria: GeneDx Variant Classification Process June 2021. Collection method: clinical testing. Allele origin: germline.
Comment: Damages or destroys the splice acceptor site in intron 9, and is expected to cause abnormal gene splicing; if the splice outcome is exon skip, the loss of the encoded residues in the triple helical region is expected to disrupt normal protein folding and function, and this is an established mechanism of disease (HGMD); Not observed at significant frequency in large population cohorts (gnomAD); This variant is associated with the following publications: (PMID: 17078022, 38702915, 35909573, 33470886)

Labcorp Genetics (formerly Invitae), Labcorp
Classification: Pathogenic for Osteogenesis imperfecta type I. Last evaluated: 2025-02-04. Review status: criteria provided, single submitter. Criteria: Invitae Variant Classification Sherloc (09022015). Collection method: clinical testing. Allele origin: germline.
Comment: This sequence change affects a splice site in intron 9 of the COL1A1 gene. It is expected to disrupt RNA splicing. Variants that disrupt the donor or acceptor splice site typically lead to a loss of protein function (PMID: 16199547), and loss-of-function variants in COL1A1 are known to be pathogenic (PMID: 7942841, 9295084, 9443882). This variant is not present in population databases (gnomAD no frequency). Disruption of this splice site has been observed in individuals with osteogenesis imperfecta (PMID: 17078022; internal data). ClinVar contains an entry for this variant (Variation ID: 1431197). Algorithms developed to predict the effect of sequence changes on RNA splicing suggest that this variant may disrupt the consensus splice site. For these reasons, this variant has been classified as Pathogenic.

Blueprint Genetics
Classification: Pathogenic for COL1A1-related disorders. Last evaluated: 2024-02-02. Review status: criteria provided, single submitter. Criteria: ACMG Guidelines, 2015. Collection method: clinical testing. Allele origin: germline. Affected: yes. Observed: 2 variant alleles.

Literature cited by the submitters: PubMed 16199547 (cited by Labcorp Genetics (formerly Invitae), Labcorp); PubMed 7942841 (cited by Labcorp Genetics (formerly Invitae), Labcorp); PubMed 9295084 (cited by Labcorp Genetics (formerly Invitae), Labcorp); PubMed 9443882 (cited by Labcorp Genetics (formerly Invitae), Labcorp); PubMed 17078022 (cited by Labcorp Genetics (formerly Invitae), Labcorp).